The following is an entry in ClinVar:

NM_001267550.2(TTN):c.88735G>A (p.Val29579Ile)

Genes: TTN (titin; minus strand), TTN-AS1 (TTN antisense RNA 1; plus strand). Cytogenetic location: 2q31.2.
Variant type: single nucleotide variant.
Coding change: c.88735G>A on transcript NM_001267550.2 (MANE Select); coding-DNA position 88735, G replaced by A.
Protein change: p.Val29579Ile; replaces valine 29579 with isoleucine.
Molecular consequence: missense variant.
Genome position (GRCh38, 1-based): chr2:178,554,612, C>T on the plus strand (G>A on the coding strand, the complement: TTN is on the minus strand). VCF-style: chr2-178554612-C-T. GRCh37 (hg19) VCF-style: chr2-179419339-C-T.
Other names: c.83812G>A, p.Val27938Ile (NM_001256850.1); c.61540G>A, p.Val20514Ile (NM_003319.4); c.81031G>A, p.Val27011Ile (NM_133378.4); c.61915G>A, p.Val20639Ile (NM_133432.3); c.62116G>A, p.Val20706Ile (NM_133437.4); short protein forms V27938I, V29579I, V20514I, V20639I, V20706I, V27011I.
Identifiers: ClinVar variation 515772 (VCV000515772.4), dbSNP rs879204059, ClinGen allele CA60979994.
Genomic context (GRCh38, chr2:178,554,612, plus strand): 5'-TAATTTTGGTGGTTGTAATGATGCACTCTTCCAAATGTTCAGACACCATAGACCACACAA[C>T]GCGGCTTGTCTCACGCTTTTCCACAATGTAGTGAGTGATTTTTGCACCACCATCATCAGC-3'
Protein context (NP_001254479.2, residues 29569-29589): YIVEKRETSR[Val29579Ile]VWSMVSEHLE

ClinVar aggregate classification (germline): Conflicting classifications of pathogenicity. Review status: criteria provided, conflicting classifications (1 of 4 stars). 3 submissions from 3 submitters: Uncertain significance (2); Likely benign (1). Last evaluated 2026-02-10.

Conditions:
TTN-related disorder. Also called: TTN-related condition; TTN-related disease; TTN-related disorders.

Allele frequency attached by ClinVar (database versions not stated): gnomAD exomes 0.00001; TOPMed 0.00001.
gnomAD v4.1: 16 of 1,613,762 alleles (0.00099%); highest among the groups gnomAD compares: African/African-American, 0.0013%; no homozygotes.

Submissions (3):

PreventionGenetics, part of Exact Sciences
Classification: Uncertain significance for TTN-related condition. Last evaluated: 2026-02-10. Review status: criteria provided, single submitter. Criteria: ACMG Guidelines, 2015. Collection method: clinical testing. Allele origin: germline.
Comment: The TTN c.88735G>A variant is predicted to result in the amino acid substitution p.Val29579Ile. To our knowledge, this variant has not been reported in the literature or in a large population database (gnomAD), indicating this variant is rare. At this time, the clinical significance of this variant is uncertain due to the absence of conclusive functional and genetic evidence.

Revvity Omics, Revvity
Classification: Uncertain significance. Last evaluated: 2023-07-17. Review status: criteria provided, single submitter. Criteria: ACMG Guidelines, 2015. Collection method: clinical testing. Allele origin: germline.

GeneDx
Classification: Likely benign. Last evaluated: 2018-02-27. Review status: criteria provided, single submitter. Criteria: GeneDx Variant Classification (06012015). Collection method: clinical testing. Allele origin: germline. Affected: yes.
Comment: This variant is considered likely benign or benign based on one or more of the following criteria: it is a conservative change, it occurs at a poorly conserved position in the protein, it is predicted to be benign by multiple in silico algorithms, and/or has population frequency not consistent with disease.